The following is an entry in ClinVar:

NM_001048174.2(MUTYH):c.13C>T (p.Arg5Ter)

Gene: MUTYH (mutY DNA glycosylase; minus strand). Cytogenetic location: 1p34.1.
Variant type: single nucleotide variant.
Coding change: c.13C>T on transcript NM_001048174.2 (MANE Select); coding-DNA position 13, C replaced by T.
Protein change: p.Arg5Ter; replaces arginine 5 with a stop codon.
Molecular consequence: nonsense. On other transcripts: 5 prime UTR variant (4), non-coding transcript variant (2).
Genome position (GRCh38, 1-based): chr1:45,334,493, G>A on the plus strand (C>T on the coding strand, the complement: MUTYH is on the minus strand). VCF-style: chr1-45334493-G-A. GRCh37 (hg19) VCF-style: chr1-45800165-G-A.
Other names: p.R19*:CGA>TGA; c.13C>T, p.Arg5Ter (NM_001048171.2, NM_001048172.2, NM_001048173.2 and 2 more transcripts); c.55C>T, p.Arg19Ter (NM_001128425.2, NM_001293190.2, NM_012222.3); c.-200C>T (NM_001293192.2, NM_001293196.2); c.-259C>T (NM_001350650.2); c.-195C>T (NM_001350651.2); short protein forms R19*, R5*.
Identifiers: ClinVar variation 127845 (VCV000127845.45), dbSNP rs587780088, ClinGen allele CA013854.

ClinVar aggregate classification (germline): Pathogenic/Likely pathogenic. Review status: criteria provided, multiple submitters, no conflicts (2 of 4 stars). 14 submissions from 14 submitters: Pathogenic (11); Likely pathogenic (1). 2 of the submissions do not count toward it. Last evaluated 2025-12-10.

Conditions:
Familial adenomatous polyposis 2. Also called: COLORECTAL ADENOMATOUS POLYPOSIS, AUTOSOMAL RECESSIVE; ADENOMAS, MULTIPLE COLORECTAL, AUTOSOMAL RECESSIVE; MUTYH-associated polyposis; MUTYH-related attenuated familial adenomatous polyposis; FAP type 2; MYH-associated polyposis. Identifiers: Orphanet 220460, Orphanet 247798, MedGen C3272841, MONDO:0012041, OMIM 608456.
Gastric cancer. Also called: Stomach cancer; Malignant tumor of stomach. Identifiers: MedGen C0024623, MeSH D013274, MONDO:0001056, OMIM 613659, HP:0012126.
Hereditary cancer-predisposing syndrome. Also called: Neoplastic Syndromes, Hereditary; Hereditary Cancer Syndrome; Tumor predisposition; Hereditary neoplastic syndrome. Identifiers: Orphanet 140162, MedGen C0027672, MeSH D009386, MONDO:0015356.
Pilomatrixoma (PTR). Also called: PILOMATRICOMA; Pilomatricoma, somatic; EPITHELIOMA CALCIFICANS OF MALHERBE. Identifiers: Orphanet 91414, MedGen C0206711, MeSH D018296, MONDO:0007564, OMIM 132600, HP:0030434.
Neoplasm of stomach. Also called: Stomach Neoplasms; Gastric neoplasm; Neoplasm of the stomach. Identifiers: MedGen C0038356, MONDO:0021085, HP:0006753. Disease mechanism: gain of function. Inheritance: Somatic mutation.
Carcinoma of colon (CRC). Also called: Colonic carcinoma; Colon carcinoma. Identifiers: MedGen C0699790, MONDO:0002032.

Allele frequency attached by ClinVar (database versions not stated): gnomAD below 0.00001 and 0.00001; TOPMed 0.00001.

Submissions (14):

Labcorp Genetics (formerly Invitae), Labcorp
Classification: Pathogenic for Familial adenomatous polyposis 2. Last evaluated: 2025-12-10. Review status: criteria provided, single submitter. Criteria: Invitae Variant Classification Sherloc (09022015). Collection method: clinical testing. Allele origin: germline.
Comment: This sequence change creates a premature translational stop signal (p.Arg19*) in the MUTYH gene. It is expected to result in an absent or disrupted protein product. Loss-of-function variants in MUTYH are known to be pathogenic (PMID: 18534194, 20663686). This variant is present in population databases (rs587780088, gnomAD 0.006%). This premature translational stop signal has been observed in individual(s) with adenomatous polyposis and colorectal cancer (PMID: 19394335, 22641385, 24799981). ClinVar contains an entry for this variant (Variation ID: 127845). For these reasons, this variant has been classified as Pathogenic.

Color Diagnostics, LLC DBA Color Health
Classification: Pathogenic for Hereditary cancer-predisposing syndrome. Last evaluated: 2025-06-04. Review status: criteria provided, single submitter. Criteria: ACMG Guidelines, 2015. Collection method: clinical testing. Allele origin: germline.
Comment: This variant changes 1 nucleotide in exon 2 of the MUTYH gene, creating a premature translation stop signal. This variant is expected to result in an absent or non-functional protein product. This variant has been reported in the compound heterozygous state in an individual affected with MUTYH-associated polyposis (PMID: 32888815), in biallelic individuals affected with colorectal cancer (PMID: 19732775, 32973888), and in an individual with an unknown second allele affected with colorectal cancer (PMID: 33563768). This variant has also been reported in individuals affected with lung cancer (PMID: 35712480Wu, et al. poster #230, AACR 2023), renal cell carcinoma (PMID: 33062672), breast cancer (PMID: 33901219), as well as in individuals that participated in genetic screening (PMID: 34428338, 34404389). This variant has been identified in 2/251478 chromosomes in the general population by the Genome Aggregation Database (gnomAD). Loss of MUTYH function is a known mechanism of disease. Based on the available evidence, this variant is classified as Pathogenic.

Center for Genomic Medicine, Rigshospitalet, Copenhagen University Hospital
Classification: Pathogenic. Last evaluated: 2025-03-04. Review status: criteria provided, single submitter. Criteria: ACMG Guidelines, 2015. Collection method: clinical testing. Allele origin: germline.

Revvity Omics, Revvity
Classification: Pathogenic for Familial adenomatous polyposis 2. Last evaluated: 2024-10-29. Review status: criteria provided, single submitter. Criteria: ACMG Guidelines, 2015. Collection method: clinical testing. Allele origin: germline.

Department of Pathology and Laboratory Medicine, Sinai Health System
Classification: Pathogenic for Familial adenomatous polyposis 2; Gastric cancer. Last evaluated: 2024-08-29. Review status: criteria provided, single submitter. Criteria: ACMG Guidelines, 2015. Collection method: clinical testing. Allele origin: germline.

Genomic Medicine Center of Excellence, King Faisal Specialist Hospital and Research Centre
Classification: Likely pathogenic for Familial adenomatous polyposis 2. Last evaluated: 2024-03-25. Review status: criteria provided, single submitter. Criteria: ACMG Guidelines, 2015. Collection method: clinical testing. Allele origin: germline.

Ambry Genetics
Classification: Pathogenic for Hereditary cancer-predisposing syndrome. Last evaluated: 2023-09-28. Review status: criteria provided, single submitter. Criteria: Ambry Variant Classification Scheme 2023. Collection method: clinical testing. Allele origin: germline.
Comment: The p.R19* pathogenic mutation (also known as c.55C>T), located in coding exon 2 of the MUTYH gene, results from a C to T substitution at nucleotide position 55. This changes the amino acid from an arginine to a stop codon within coding exon 2. The predicted stop codon occurs within the first 150 nucleotides of the MUTYH gene. This alteration may escape nonsense-mediated mRNA decay and/or be rescued by re-initiation (Rivas et al. Science. 2015 May 8;348(6235):666-9; Lindeboom et al. Nat. Genet. 2016 Oct;48(10):1112-8; Rhee et al. Sci. Rep. 2017 May 10;7(1):1653). However, the impacted region is critical for protein function (Ambry internal data). Based on the supporting evidence, this alteration is interpreted as a disease-causing mutation.

GeneDx
Classification: Pathogenic. Last evaluated: 2023-09-18. Review status: criteria provided, single submitter. Criteria: GeneDx Variant Classification Process June 2021. Collection method: clinical testing. Allele origin: germline. Affected: yes.
Comment: Nonsense variant predicted to result in protein truncation or nonsense mediated decay in a gene for which loss of function is a known mechanism of disease; Not observed at significant frequency in large population cohorts (gnomAD); This variant is associated with the following publications: (PMID: 25525159, 32980694, 31721094, 23035301, 18534194, 19032956, 22641385, 24799981, 19732775, 29330641, 28251689, 27498913, 29625052, 31744909, 32029870, 32888815, 34106356, 31742824, 35273153, 34115236, 20663686, 36988593, 19394335)

Baylor Genetics
Classification: Pathogenic for Familial adenomatous polyposis 2. Last evaluated: 2023-07-26. Review status: criteria provided, single submitter. Criteria: ACMG Guidelines, 2015. Collection method: clinical testing. Allele origin: unknown.

All of Us Research Program, National Institutes of Health
Classification: Pathogenic for Familial adenomatous polyposis 2. Last evaluated: 2023-06-26. Review status: criteria provided, single submitter. Criteria: ACMG Guidelines, 2015. Collection method: clinical testing. Allele origin: germline. Inheritance: Autosomal recessive inheritance. Observed: 1 variant allele, 1 heterozygote.
Comment: This variant changes 1 nucleotide in exon 2 of the MUTYH gene, creating a premature translation stop signal. This variant is expected to result in an absent or non-functional protein product. This variant has been reported in the compound heterozygous state in an individual affected with MUTYH-associated polyposis (PMID: 32888815), in biallelic individuals affected with colorectal cancer (PMID: 19732775, 32973888), and in an individual with an unknown second allele affected with colorectal cancer (PMID: 33563768). This variant has also been reported in individuals affected with lung cancer (PMID: 35712480; Wu, et al. poster #230, AACR 2023), renal cell carcinoma (PMID: 33062672), breast cancer (PMID: 33901219), as well as in individuals that participated in genetic screening (PMID: 34428338, 34404389). This variant has been identified in 2/251478 chromosomes in the general population by the Genome Aggregation Database (gnomAD). Loss of MUTYH function is a known mechanism of disease. Based on the available evidence, this variant is classified as Pathogenic.

This study involves interpretation of variants in research participants for the purpose of population health screening. Participant phenotype was not available at the time of variant classification. Additional details can be found in publication PMID: 35346344, PMCID: PMC8962531

Fulgent Genetics
Classification: Pathogenic for Pilomatrixoma; Familial adenomatous polyposis 2; Gastric cancer. Last evaluated: 2018-10-31. Review status: criteria provided, single submitter. Criteria: ACMG Guidelines, 2015. Collection method: clinical testing. Allele origin: unknown.

Juno Genomics, Hangzhou Juno Genomics, Inc
Classification: Pathogenic for Familial adenomatous polyposis 2. Review status: criteria provided, single submitter. Criteria: ACMG Guidelines, 2015. Collection method: clinical testing. Allele origin: germline. Affected: yes.
Comment: Absent from controls (or at extremely low frequency if recessive) in Genome Aggregation Database.;Null variant in a gene where loss of function (LOF) is a known mechanism of disease.;For recessive disorders, detected in trans with a pathogenic variant.

Laboratory for Genotyping Development, RIKEN
Classification: Pathogenic for Gastric cancer. Last evaluated: 2021-07-01. Review status: no assertion criteria provided. Collection method: research. Allele origin: germline. Not counted in ClinVar's aggregate classification.

Pathway Genomics
Classification: Pathogenic for Carcinoma of colon. Last evaluated: 2014-07-24. Review status: no assertion criteria provided. Collection method: clinical testing. Allele origin: germline. Not counted in ClinVar's aggregate classification.

Literature cited by the submitters: PubMed 18534194 (cited by Labcorp Genetics (formerly Invitae), Labcorp and Pathway Genomics); PubMed 20663686 (cited by Labcorp Genetics (formerly Invitae), Labcorp); PubMed 19394335 (cited by 3 submitters); PubMed 22641385 (cited by Labcorp Genetics (formerly Invitae), Labcorp and Department of Pathology and Laboratory Medicine, Sinai Health System); PubMed 24799981 (cited by Labcorp Genetics (formerly Invitae), Labcorp and Department of Pathology and Laboratory Medicine, Sinai Health System); PubMed 19732775 (cited by 5 submitters); PubMed 32888815 (cited by 3 submitters); PubMed 32973888 (cited by 4 submitters); PubMed 33062672 (cited by 3 submitters); PubMed 33563768 (cited by 3 submitters); PubMed 33901219 (cited by 4 submitters); PubMed 34404389 (cited by 3 submitters); PubMed 34428338 (cited by Color Diagnostics, LLC DBA Color Health and All of Us Research Program, National Institutes of Health); PubMed 35712480 (cited by Color Diagnostics, LLC DBA Color Health and All of Us Research Program, National Institutes of Health); PubMed 33471991 (cited by Department of Pathology and Laboratory Medicine, Sinai Health System); PubMed 19032956 (cited by Ambry Genetics and Pathway Genomics); PubMed 36988593 (cited by Laboratory for Genotyping Development, RIKEN); PubMed 23035301 (cited by Pathway Genomics).